The following is an entry in ClinVar:

NM_001370259.2(MEN1):c.1618_1619delinsAT (p.Pro540Ile)

Gene: MEN1 (menin 1; minus strand). Cytogenetic location: 11q13.1.
Variant type: Indel.
Coding change: c.1618_1619delinsAT on transcript NM_001370259.2 (MANE Select); coding-DNA positions 1618 to 1619, CC replaced by AT.
Protein change: p.Pro540Ile; replaces proline 540 with isoleucine.
Molecular consequence: missense variant. On other transcripts: non-coding transcript variant (4).
Genome position (GRCh38, 1-based): chr11:64,804,548-64,804,549, GG replaced by AT on the plus strand (CC replaced by AT on the coding strand, the reverse complement: MEN1 is on the minus strand). VCF-style: chr11-64804548-GG-AT. GRCh37 (hg19) VCF-style: chr11-64572020-GG-AT.
Other names: c.1744_1745delinsAT, p.Pro582Ile (NM_001407143.1, NM_001407144.1, NM_001370251.2 and 1 more transcripts); c.1633_1634delinsAT, p.Pro545Ile (NM_001407145.1, NM_000244.4, NM_130800.3 and 4 more transcripts); c.1618_1619delinsAT, p.Pro540Ile (NM_001407146.1, NM_001407147.1, NM_001370260.2 and 2 more transcripts); c.1513_1514delinsAT, p.Pro505Ile (NM_001407148.1, NM_001407149.1, NM_001370262.2 and 1 more transcripts); c.1759_1760delinsAT, p.Pro587Ile (NM_001407150.1); c.1639_1640delinsAT, p.Pro547Ile (NM_001407151.1); c.1453_1454delinsAT, p.Pro485Ile (NM_001407152.1); c.1618_1619delinsAT (NM_130799.2); and 1 more; short protein forms P540I, P505I, P485I, P545I, P547I, P582I, P587I.
Identifiers: ClinVar variation 3600092 (VCV003600092.2).
Genomic context (GRCh38, chr11:64,804,548, plus strand): 5'-CCCTTCATCTTCTCACTCTGGAAAGTGAGCACTGGACCCTCCGGCGGTGGTGATGCTGTG[GG>AT]TGCTGGCACCTGAGCCGTGCTGCCACCTTCAGGGCCTCGGGCTGTGCCAGCGACAGTCCC-3'
Protein context (NP_001357188.2, residues 530-550): EGGSTAQVPA[Pro540Ile]TASPPPEGPV

ClinVar aggregate classification (germline): Uncertain significance. Review status: criteria provided, multiple submitters, no conflicts (2 of 4 stars). 2 submissions from 2 submitters: Uncertain significance (2). Last evaluated 2025-02-04.

Conditions:
Multiple endocrine neoplasia, type 1 (MEN1). Also called: Endocrine adenomatosis multiple; MEN 1; MEN I; WERMER SYNDROME; MEA I. Identifiers: Orphanet 652, MedGen C0025267, MeSH D018761, MONDO:0007540, OMIM 131100.

Submissions (2):

GeneDx
Classification: Uncertain significance. Last evaluated: 2025-02-04. Review status: criteria provided, single submitter. Criteria: GeneDx Variant Classification Process June 2021. Collection method: clinical testing. Allele origin: germline. Affected: yes.
Comment: Not observed at significant frequency in large population cohorts (gnomAD); Has not been previously published as pathogenic or benign to our knowledge; In silico analysis does not support a benign or deleterious effect of this variant on protein structure/function

Fulgent Genetics
Classification: Uncertain significance for Multiple endocrine neoplasia, type 1. Last evaluated: 2024-02-27. Review status: criteria provided, single submitter. Criteria: ACMG Guidelines, 2015. Collection method: clinical testing. Allele origin: germline.